The following is an entry in ClinVar:

NM_006662.3(SRCAP):c.6634A>G (p.Met2212Val)

Gene: SRCAP (Snf2 related CREBBP activator protein; plus strand). Cytogenetic location: 16p11.2.
Variant type: single nucleotide variant.
Coding change: c.6634A>G on transcript NM_006662.3 (MANE Select); coding-DNA position 6634, A replaced by G.
Protein change: p.Met2212Val; replaces methionine 2212 with valine.
Molecular consequence: missense variant.
Genome position (GRCh38, 1-based): chr16:30,734,520, A>G. VCF-style: chr16-30734520-A-G. GRCh37 (hg19) VCF-style: chr16-30745841-A-G.
Other names: short protein forms M2212V.
Identifiers: ClinVar variation 3626647 (VCV003626647.2).

ClinVar aggregate classification (germline): Uncertain significance (1 of 4 stars; one submission).

gnomAD v4.1: 5 of 1,613,888 alleles (0.00031%); highest among the groups gnomAD compares: Admixed American, 0.0033%; no homozygotes.

Submission:

Labcorp Genetics (formerly Invitae), Labcorp
Classification: Uncertain significance. Last evaluated: 2024-03-25. Review status: criteria provided, single submitter. Criteria: Invitae Variant Classification Sherloc (09022015). Collection method: clinical testing. Allele origin: germline.
Comment: This sequence change replaces methionine, which is neutral and non-polar, with valine, which is neutral and non-polar, at codon 2212 of the SRCAP protein (p.Met2212Val). This variant is present in population databases (rs143500690, gnomAD 0.003%). This variant has not been reported in the literature in individuals affected with SRCAP-related conditions. Advanced modeling of protein sequence and biophysical properties (such as structural, functional, and spatial information, amino acid conservation, physicochemical variation, residue mobility, and thermodynamic stability) performed at Invitae indicates that this missense variant is not expected to disrupt SRCAP protein function with a negative predictive value of 80%. In summary, the available evidence is currently insufficient to determine the role of this variant in disease. Therefore, it has been classified as a Variant of Uncertain Significance.